The following is an entry in ClinVar:

NM_031844.3(HNRNPU):c.1033C>T (p.Pro345Ser)

Gene: HNRNPU (heterogeneous nuclear ribonucleoprotein U; minus strand). Cytogenetic location: 1q44.
Variant type: single nucleotide variant.
Coding change: c.1033C>T on transcript NM_031844.3 (MANE Select); coding-DNA position 1033, C replaced by T.
Protein change: p.Pro345Ser; replaces proline 345 with serine.
Molecular consequence: missense variant.
Genome position (GRCh38, 1-based): chr1:244,859,359, G>A on the plus strand (C>T on the coding strand, the complement: HNRNPU is on the minus strand). VCF-style: chr1-244859359-G-A. GRCh37 (hg19) VCF-style: chr1-245022661-G-A.
Other names: c.976C>T, p.Pro326Ser (NM_004501.3); short protein forms P326S, P345S.
Identifiers: ClinVar variation 4774226 (VCV004774226.1).

ClinVar aggregate classification (germline): Uncertain significance (1 of 4 stars; one submission).

Conditions:
Developmental and epileptic encephalopathy, 54. Also called: Epileptic encephalopathy, early infantile, 54; HNRNPU-Related Neurodevelopmental Disorder. Identifiers: MedGen C4479319, MONDO:0033363, OMIM 617391.

Submission:

Labcorp Genetics (formerly Invitae), Labcorp
Classification: Uncertain significance for Developmental and epileptic encephalopathy, 54. Last evaluated: 2025-09-24. Review status: criteria provided, single submitter. Criteria: Invitae Variant Classification Sherloc (09022015). Collection method: clinical testing. Allele origin: germline.
Comment: This sequence change replaces proline, which is neutral and non-polar, with serine, which is neutral and polar, at codon 345 of the HNRNPU protein (p.Pro345Ser). This variant is not present in population databases (gnomAD no frequency). This variant has not been reported in the literature in individuals affected with HNRNPU-related conditions. Invitae Evidence Modeling of protein sequence and biophysical properties (such as structural, functional, and spatial information, amino acid conservation, physicochemical variation, residue mobility, and thermodynamic stability) indicates that this missense variant is not expected to disrupt HNRNPU protein function with a negative predictive value of 95%. In summary, the available evidence is currently insufficient to determine the role of this variant in disease. Therefore, it has been classified as a Variant of Uncertain Significance.